The following is an entry in ClinVar:

NM_000395.3(CSF2RB):c.1550G>A (p.Arg517His)

Gene: CSF2RB (colony stimulating factor 2 receptor subunit beta; plus strand). Cytogenetic location: 22q12.3.
Variant type: single nucleotide variant.
Coding change: c.1550G>A on transcript NM_000395.3 (MANE Select); coding-DNA position 1550, G replaced by A.
Protein change: p.Arg517His; replaces arginine 517 with histidine.
Molecular consequence: missense variant.
Genome position (GRCh38, 1-based): chr22:36,936,634, G>A. VCF-style: chr22-36936634-G-A. GRCh37 (hg19) VCF-style: chr22-37332676-G-A.
Other names: c.1550G>A (NM_000395.2); c.1568G>A, p.Arg523His (NM_001410827.1); short protein forms R517H, R523H.
Identifiers: ClinVar variation 2896911 (VCV002896911.5), dbSNP rs755780700, ClinGen allele CA10213915.

ClinVar aggregate classification (germline): Conflicting classifications of pathogenicity. Review status: criteria provided, conflicting classifications (1 of 4 stars). 3 submissions from 3 submitters: Uncertain significance (2); Likely benign (1). Last evaluated 2025-09-10.

Conditions:
Inborn genetic diseases. Identifiers: MedGen C0950123, MeSH D030342.

Allele frequency attached by ClinVar (database versions not stated): ExAC 0.00001; gnomAD exomes 0.00002; TOPMed 0.00027; gnomAD 0.00051.
gnomAD v4.1: 111 of 1,613,244 alleles (0.0069%); highest among the groups gnomAD compares: Admixed American, 0.17%; 3 homozygotes.

Submissions (3):

Ambry Genetics
Classification: Likely benign for Inborn genetic diseases. Last evaluated: 2025-09-10. Review status: criteria provided, single submitter. Criteria: Ambry Variant Classification Scheme 2023. Collection method: clinical testing. Allele origin: germline.

GeneDx
Classification: Uncertain significance. Last evaluated: 2024-06-08. Review status: criteria provided, single submitter. Criteria: GeneDx Variant Classification Process June 2021. Collection method: clinical testing. Allele origin: germline. Affected: yes.
Comment: In silico analysis indicates that this missense variant does not alter protein structure/function; Has not been previously published as pathogenic or benign to our knowledge

Labcorp Genetics (formerly Invitae), Labcorp
Classification: Uncertain significance. Last evaluated: 2023-03-12. Review status: criteria provided, single submitter. Criteria: Invitae Variant Classification Sherloc (09022015). Collection method: clinical testing. Allele origin: germline.
Comment: This variant is present in population databases (rs755780700, gnomAD 0.08%), and has an allele count higher than expected for a pathogenic variant. In summary, the available evidence is currently insufficient to determine the role of this variant in disease. Therefore, it has been classified as a Variant of Uncertain Significance. Advanced modeling of protein sequence and biophysical properties (such as structural, functional, and spatial information, amino acid conservation, physicochemical variation, residue mobility, and thermodynamic stability) performed at Invitae indicates that this missense variant is not expected to disrupt CSF2RB protein function. This variant has not been reported in the literature in individuals affected with CSF2RB-related conditions. This sequence change replaces arginine, which is basic and polar, with histidine, which is basic and polar, at codon 517 of the CSF2RB protein (p.Arg517His).